The following is an entry in ClinVar:

NC_000003.12:g.169765021A>C

Genes: TERC (telomerase RNA component; minus strand), LOC110806306 (telomerase RNA component (TERC) promoter; plus strand). Cytogenetic location: 3q26.2.
Variant type: single nucleotide variant.
Genome position: GRCh38 VCF-style: chr3-169765021-A-C. GRCh37 (hg19) VCF-style: chr3-169482809-A-C.
Identifiers: ClinVar variation 2139786 (VCV002139786.5), dbSNP rs2474262622, ClinGen allele CA436715979.

ClinVar aggregate classification (germline): Uncertain significance. Review status: criteria provided, multiple submitters, no conflicts (2 of 4 stars). 2 submissions from 2 submitters: Uncertain significance (2). Last evaluated 2021-12-30.

Conditions:
Dyskeratosis congenita, autosomal dominant 1 (DKCA1). Also called: Dyskeratosis congenita Scoggins type. Identifiers: Orphanet 1775, MedGen C4551974, MONDO:0007485, OMIM 127550. Inheritance: Variable.

Submissions (2):

Labcorp Genetics (formerly Invitae), Labcorp
Classification: Uncertain significance for Dyskeratosis congenita, autosomal dominant 1. Last evaluated: 2021-12-30. Review status: criteria provided, single submitter. Criteria: Invitae Variant Classification Sherloc (09022015). Collection method: clinical testing. Allele origin: germline.
Comment: In summary, the available evidence is currently insufficient to determine the role of this variant in disease. Therefore, it has been classified as a Variant of Uncertain Significance. This variant is located within the template/pseudoknot domain of the TERC RNA component, which is required for RNA or RNP stability (PMID: 15082312, 21844345). This variant is located in a region of TERC in which a significant number of disease causing variants have been reported (PMID: 15082312, 21844345, 21931702). These observations suggest that this may be a clinically significant region. This variant has not been reported in the literature in individuals affected with TERC-related conditions. This variant is not present in population databases (gnomAD no frequency). This variant occurs in the TERC gene, which encodes an RNA molecule that does not result in a protein product.

Blueprint Genetics
Classification: Uncertain significance. Last evaluated: 2020-02-27. Review status: criteria provided, single submitter. Criteria: ACMG Guidelines, 2015. Collection method: clinical testing. Allele origin: germline.

Literature cited by the submitters: PubMed 15082312 (cited by Labcorp Genetics (formerly Invitae), Labcorp); PubMed 21844345 (cited by Labcorp Genetics (formerly Invitae), Labcorp); PubMed 21931702 (cited by Labcorp Genetics (formerly Invitae), Labcorp).